The following is an entry in ClinVar:

NM_144672.4(OTOA):c.2003del (p.Val668fs)

Gene: OTOA (otoancorin). Cytogenetic location: 16p12.2.
Variant type: Deletion.
Coding change: c.2003del on transcript NM_144672.4 (MANE Select); coding-DNA position 2003, one base deleted.
Protein change: p.Val668fs; shifts the reading frame from valine 668.
Molecular consequence: frameshift variant.
Genome position: GRCh38 VCF-style: chr16-21726644-GT-G. GRCh37 (hg19) VCF-style: chr16-21737965-GT-G.
Other names: c.1766del, p.Val589fs (NM_001161683.2); c.1031del, p.Val344fs (NM_170664.3); short protein forms V344fs, V589fs, V668fs.
Identifiers: ClinVar variation 2766019 (VCV002766019.3), dbSNP rs2507058861, ClinGen allele CA2697555704.

ClinVar aggregate classification (germline): Pathogenic (1 of 4 stars; one submission).

Submission:

Labcorp Genetics (formerly Invitae), Labcorp
Classification: Pathogenic. Last evaluated: 2023-06-04. Review status: criteria provided, single submitter. Criteria: Invitae Variant Classification Sherloc (09022015). Collection method: clinical testing. Allele origin: germline.
Comment: For these reasons, this variant has been classified as Pathogenic. This variant has not been reported in the literature in individuals affected with OTOA-related conditions. This variant is not present in population databases (gnomAD no frequency). This sequence change creates a premature translational stop signal (p.Val668Glyfs*60) in the OTOA gene. It is expected to result in an absent or disrupted protein product. Loss-of-function variants in OTOA are known to be pathogenic (PMID: 11972037).

Literature cited by the submitters: PubMed 11972037.